The following is an entry in ClinVar:

NM_014874.4(MFN2):c.2215G>A (p.Gly739Ser)

Gene: MFN2 (mitofusin 2; plus strand). Cytogenetic location: 1p36.22.
Variant type: single nucleotide variant.
Coding change: c.2215G>A on transcript NM_014874.4 (MANE Select); coding-DNA position 2215, G replaced by A.
Protein change: p.Gly739Ser; replaces glycine 739 with serine.
Molecular consequence: missense variant.
Genome position (GRCh38, 1-based): chr1:12,011,506, G>A. VCF-style: chr1-12011506-G-A. GRCh37 (hg19) VCF-style: chr1-12071563-G-A.
Other names: c.2215G>A, p.Gly739Ser (NM_001127660.2); short protein forms G739S.
Identifiers: ClinVar variation 1500281 (VCV001500281.9), dbSNP rs1402367279, ClinGen allele CA338453839.

ClinVar aggregate classification (germline): Uncertain significance. Review status: criteria provided, multiple submitters, no conflicts (2 of 4 stars). 2 submissions from 2 submitters: Uncertain significance (2). Last evaluated 2023-09-18.

Conditions:
Charcot-Marie-Tooth disease type 2. Also called: Charcot-Marie-Tooth type 2. Identifiers: Orphanet 64746, MedGen C0270914, MONDO:0018993.

Allele frequency attached by ClinVar (database versions not stated): gnomAD exomes 0.00001; gnomAD 0.00003.
gnomAD v4.1: 18 of 1,614,060 alleles (0.0011%); highest among the groups gnomAD compares: Admixed American, 0.0017%; no homozygotes.

Submissions (2):

Blueprint Genetics
Classification: Uncertain significance. Last evaluated: 2023-09-18. Review status: criteria provided, single submitter. Criteria: ACMG Guidelines, 2015. Collection method: clinical testing. Allele origin: germline.

Labcorp Genetics (formerly Invitae), Labcorp
Classification: Uncertain significance for Charcot-Marie-Tooth disease type 2. Last evaluated: 2023-04-27. Review status: criteria provided, single submitter. Criteria: Invitae Variant Classification Sherloc (09022015). Collection method: clinical testing. Allele origin: germline.
Comment: In summary, the available evidence is currently insufficient to determine the role of this variant in disease. Therefore, it has been classified as a Variant of Uncertain Significance. Advanced modeling of protein sequence and biophysical properties (such as structural, functional, and spatial information, amino acid conservation, physicochemical variation, residue mobility, and thermodynamic stability) performed at Invitae indicates that this missense variant is not expected to disrupt MFN2 protein function. ClinVar contains an entry for this variant (Variation ID: 1500281). This variant has not been reported in the literature in individuals affected with MFN2-related conditions. This variant is present in population databases (no rsID available, gnomAD 0.01%). This sequence change replaces glycine, which is neutral and non-polar, with serine, which is neutral and polar, at codon 739 of the MFN2 protein (p.Gly739Ser).